The following is an entry in ClinVar:

ClinVar aggregate classification (germline): Likely benign. Review status: criteria provided, single submitter (1 of 4 stars). 2 submissions from 2 submitters: Likely benign (1). 1 of the submissions does not count toward it. Last evaluated 2025-11-15.

Conditions:
EMC1-related disorder. Also called: EMC1-related condition.

Allele frequency attached by ClinVar (database versions not stated): gnomAD 0.00001; TOPMed 0.00001; ExAC 0.00002.
gnomAD v4.1: 12 of 1,610,286 alleles (0.00075%); highest among the groups gnomAD compares: East Asian, 0.0022%; no homozygotes.

Submissions (2):

Labcorp Genetics (formerly Invitae), Labcorp
Classification: Likely benign. Last evaluated: 2025-11-15. Review status: criteria provided, single submitter. Criteria: Invitae Variant Classification Sherloc (09022015). Collection method: clinical testing. Allele origin: germline.

PreventionGenetics, part of Exact Sciences
Classification: Likely benign for EMC1-related condition. Last evaluated: 2019-03-05. Review status: no assertion criteria provided. Collection method: clinical testing. Allele origin: germline. Not counted in ClinVar's aggregate classification.
Comment: This variant is classified as likely benign based on ACMG/AMP sequence variant interpretation guidelines (Richards et al. 2015 PMID: 25741868, with internal and published modifications).

NM_015047.3(EMC1):c.1905C>T (p.Asp635=)

Genes: EMC1 (ER membrane protein complex subunit 1; minus strand), EMC1-AS1 (EMC1 antisense RNA 1; plus strand). Cytogenetic location: 1p36.13.
Variant type: single nucleotide variant.
Coding change: c.1905C>T on transcript NM_015047.3 (MANE Select); coding-DNA position 1905, C replaced by T.
Protein change: p.Asp635=; no amino-acid change (aspartic acid 635 retained).
Molecular consequence: synonymous variant.
Genome position (GRCh38, 1-based): chr1:19,231,300, G>A on the plus strand (C>T on the coding strand, the complement: EMC1 is on the minus strand). VCF-style: chr1-19231300-G-A. GRCh37 (hg19) VCF-style: chr1-19557794-G-A.
Other names: c.1905C>T (NM_015047.2); c.1902C>T, p.Asp634= (NM_001271427.2, NM_001271428.2); c.1839C>T, p.Asp613= (NM_001271429.2); c.1914C>T, p.Asp638= (NM_001375820.1); c.1911C>T, p.Asp637= (NM_001375821.1).
Identifiers: ClinVar variation 1905012 (VCV001905012.7), dbSNP rs766371753, ClinGen allele CA652474.